The following is an entry in ClinVar:

ClinVar aggregate classification (germline): Uncertain significance (1 of 4 stars; one submission).

Conditions:
Brown-Vialetto-van Laere syndrome 1. Also called: BROWN-VIALETTO-VAN LAERE SYNDROME 1, MILD; BULBAR PALSY, PROGRESSIVE, WITH SENSORINEURAL DEAFNESS; PONTOBULBAR PALSY WITH DEAFNESS. Identifiers: Orphanet 572550, Orphanet 97229, MedGen C0796274, MONDO:0024537, OMIM 211530.

Allele frequency attached by ClinVar (database versions not stated): ExAC 0.00001; ESP Exome Variant Server 0.00008.

Submission:

Labcorp Genetics (formerly Invitae), Labcorp
Classification: Uncertain significance for Brown-Vialetto-van Laere syndrome 1. Last evaluated: 2025-04-14. Review status: criteria provided, single submitter. Criteria: Invitae Variant Classification Sherloc (09022015). Collection method: clinical testing. Allele origin: germline.
Comment: This sequence change replaces leucine, which is neutral and non-polar, with phenylalanine, which is neutral and non-polar, at codon 226 of the SLC52A3 protein (p.Leu226Phe). This variant is present in population databases (rs143511669, gnomAD 0.007%). This variant has not been reported in the literature in individuals affected with SLC52A3-related conditions. ClinVar contains an entry for this variant (Variation ID: 1940829). Invitae Evidence Modeling of protein sequence and biophysical properties (such as structural, functional, and spatial information, amino acid conservation, physicochemical variation, residue mobility, and thermodynamic stability) indicates that this missense variant is not expected to disrupt SLC52A3 protein function with a negative predictive value of 95%. In summary, the available evidence is currently insufficient to determine the role of this variant in disease. Therefore, it has been classified as a Variant of Uncertain Significance.

NM_033409.4(SLC52A3):c.676C>T (p.Leu226Phe)

Gene: SLC52A3 (solute carrier family 52 member 3; minus strand). Cytogenetic location: 20p13.
Variant type: single nucleotide variant.
Coding change: c.676C>T on transcript NM_033409.4 (MANE Select); coding-DNA position 676, C replaced by T.
Protein change: p.Leu226Phe; replaces leucine 226 with phenylalanine.
Molecular consequence: missense variant.
Genome position (GRCh38, 1-based): chr20:763,895, G>A on the plus strand (C>T on the coding strand, the complement: SLC52A3 is on the minus strand). VCF-style: chr20-763895-G-A. GRCh37 (hg19) VCF-style: chr20-744539-G-A.
Other names: c.676C>T, p.Leu226Phe (NM_001370085.1, NM_001370086.1); short protein forms L226F.
Identifiers: ClinVar variation 1940829 (VCV001940829.3), dbSNP rs143511669, ClinGen allele CA9724708.